The following is an entry in ClinVar:

NM_004946.3(DOCK2):c.4346G>A (p.Arg1449His)

Gene: DOCK2 (dedicator of cytokinesis 2; plus strand). Cytogenetic location: 5q35.1.
Variant type: single nucleotide variant.
Coding change: c.4346G>A on transcript NM_004946.3 (MANE Select); coding-DNA position 4346, G replaced by A.
Protein change: p.Arg1449His; replaces arginine 1449 with histidine.
Molecular consequence: missense variant. On other transcripts: non-coding transcript variant (1).
Genome position (GRCh38, 1-based): chr5:170,056,734, G>A. VCF-style: chr5-170056734-G-A. GRCh37 (hg19) VCF-style: chr5-169483738-G-A.
Other names: short protein forms R1449H.
Identifiers: ClinVar variation 2044994 (VCV002044994.2), dbSNP rs752809875, ClinGen allele CA3554515.
Genomic context (GRCh38, chr5:170,056,734, plus strand): 5'-TGTCTTTCAGCTTCTACAAATCCAACTACGTGCAAAGGTTCCACTACTCCCGGCCCGTGC[G>A]CAGGGGGACCGTAGACCCAGAGAATGAGTTTGCTGTGAGTATCTTCCCTACCCTTGATCA-3'
Protein context (NP_004937.1, residues 1439-1459): VQRFHYSRPV[Arg1449His]RGTVDPENEF

ClinVar aggregate classification (germline): Uncertain significance (1 of 4 stars; one submission).

Conditions:
DOCK2 deficiency. Also called: Immunodeficiency 40. Identifiers: Orphanet 447737, MedGen C4225328, MONDO:0014637, OMIM 616433.

Allele frequency attached by ClinVar (database versions not stated): gnomAD 0.00005; ExAC 0.00006; TOPMed 0.00006.
gnomAD v4.1: 49 of 1,614,034 alleles (0.003%); highest among the groups gnomAD compares: East Asian, 0.04%; no homozygotes.

Submission:

Labcorp Genetics (formerly Invitae), Labcorp
Classification: Uncertain significance for DOCK2 deficiency. Last evaluated: 2022-03-13. Review status: criteria provided, single submitter. Criteria: Invitae Variant Classification Sherloc (09022015). Collection method: clinical testing. Allele origin: germline.
Comment: In summary, the available evidence is currently insufficient to determine the role of this variant in disease. Therefore, it has been classified as a Variant of Uncertain Significance. Algorithms developed to predict the effect of missense changes on protein structure and function are either unavailable or do not agree on the potential impact of this missense change (SIFT: "Deleterious"; PolyPhen-2: "Benign"; Align-GVGD: "Class C0"). This variant has not been reported in the literature in individuals affected with DOCK2-related conditions. This variant is present in population databases (rs752809875, gnomAD 0.06%). This sequence change replaces arginine, which is basic and polar, with histidine, which is basic and polar, at codon 1449 of the DOCK2 protein (p.Arg1449His).